The following is an entry in ClinVar:

NM_000264.5(PTCH1):c.1060C>A (p.Leu354Ile)

Gene: PTCH1 (patched 1; minus strand). Cytogenetic location: 9q22.32.
Variant type: single nucleotide variant.
Coding change: c.1060C>A on transcript NM_000264.5 (MANE Select); coding-DNA position 1060, C replaced by A.
Protein change: p.Leu354Ile; replaces leucine 354 with isoleucine.
Molecular consequence: missense variant. On other transcripts: non-coding transcript variant (1).
Genome position (GRCh38, 1-based): chr9:95,479,976, G>T on the plus strand (C>A on the coding strand, the complement: PTCH1 is on the minus strand). VCF-style: chr9-95479976-G-T. GRCh37 (hg19) VCF-style: chr9-98242258-G-T.
Other names: c.862C>A, p.Leu288Ile (NM_001083602.3); c.1057C>A, p.Leu353Ile (NM_001083603.3); c.607C>A, p.Leu203Ile (NM_001083604.3, NM_001083605.3, NM_001083606.3 and 1 more transcripts); c.1060C>A, p.Leu354Ile (NM_001354918.2); short protein forms L353I, L288I, L203I, L354I.
Identifiers: ClinVar variation 818319 (VCV000818319.4), dbSNP rs1588608286, ClinGen allele CA374119571.

ClinVar aggregate classification (germline): Uncertain significance (1 of 4 stars; one submission).

Conditions:
Hereditary cancer-predisposing syndrome. Also called: Tumor predisposition; Hereditary neoplastic syndrome; Neoplastic Syndromes, Hereditary; Hereditary Cancer Syndrome. Identifiers: Orphanet 140162, MedGen C0027672, MeSH D009386, MONDO:0015356.

Submission:

Ambry Genetics
Classification: Uncertain significance for Hereditary cancer-predisposing syndrome. Last evaluated: 2018-10-30. Review status: criteria provided, single submitter. Criteria: Ambry Variant Classification Scheme 2023. Collection method: clinical testing. Allele origin: germline.
Comment: The p.L354I variant (also known as c.1060C>A), located in coding exon 7 of the PTCH1 gene, results from a C to A substitution at nucleotide position 1060. The leucine at codon 354 is replaced by isoleucine, an amino acid with highly similar properties. This amino acid position is highly conserved in available vertebrate species. In addition, the in silico prediction for this alteration is inconclusive. Since supporting evidence is limited at this time, the clinical significance of this alteration remains unclear.